The following is an entry in ClinVar:

NM_001366385.1(CARD14):c.2081del (p.Glu694fs)

Genes: SGSH (N-sulfoglucosamine sulfohydrolase; minus strand), CARD14 (caspase recruitment domain family member 14; plus strand). Cytogenetic location: 17q25.3.
Variant type: Deletion.
Coding change: c.2081del on transcript NM_001366385.1 (MANE Select); coding-DNA position 2081, one base deleted (A; older notation c.2081delA).
Protein change: p.Glu694fs; shifts the reading frame from glutamic acid 694.
Molecular consequence: frameshift variant. On other transcripts: non-coding transcript variant (1).
Genome position (GRCh38, 1-based): chr17:80,202,282, A deleted. VCF-style (leftmost placement, unchanged base first): chr17-80202281-GA-G. GRCh37 (hg19) VCF-style: chr17-78176080-GA-G.
Other names: c.2081del, p.Glu694fs (NM_001257970.1, NM_024110.4); short protein forms E694fs.
Identifiers: ClinVar variation 3750815 (VCV003750815.2).

ClinVar aggregate classification (germline): Uncertain significance (1 of 4 stars; one submission).

Conditions:
Pityriasis rubra pilaris (PRP). Also called: Pityriasis rubra pilaris--familial type. Identifiers: Orphanet 2897, MedGen C0032027, MONDO:0100017, OMIM 173200, MONDO:0008251.
Psoriasis 2. Identifiers: MedGen C1864497, MONDO:0011269, OMIM 602723.

Submission:

Labcorp Genetics (formerly Invitae), Labcorp
Classification: Uncertain significance for Pityriasis rubra pilaris; Psoriasis 2. Last evaluated: 2024-06-11. Review status: criteria provided, single submitter. Criteria: Invitae Variant Classification Sherloc (09022015). Collection method: clinical testing. Allele origin: germline.
Comment: This sequence change creates a premature translational stop signal (p.Glu694Glyfs*28) in the CARD14 gene. It is expected to result in an absent or disrupted protein product. However, the current clinical and genetic evidence is not sufficient to establish whether loss-of-function variants in CARD14 cause disease. This variant is not present in population databases (gnomAD no frequency). This variant has not been reported in the literature in individuals affected with CARD14-related conditions. In summary, the available evidence is currently insufficient to determine the role of this variant in disease. Therefore, it has been classified as a Variant of Uncertain Significance.